The following is an entry in ClinVar:

NM_024675.4(PALB2):c.2481A>C (p.Thr827=)

Gene: PALB2 (partner and localizer of BRCA2; minus strand). Cytogenetic location: 16p12.2.
Variant type: single nucleotide variant.
Coding change: c.2481A>C on transcript NM_024675.4 (MANE Select); coding-DNA position 2481, A replaced by C.
Protein change: p.Thr827=; no amino-acid change (threonine 827 retained).
Molecular consequence: synonymous variant.
Genome position (GRCh38, 1-based): chr16:23,629,673, T>G on the plus strand (A>C on the coding strand, the complement: PALB2 is on the minus strand). VCF-style: chr16-23629673-T-G. GRCh37 (hg19) VCF-style: chr16-23640994-T-G.
Identifiers: ClinVar variation 763517 (VCV000763517.11), dbSNP rs876658885, ClinGen allele CA494460874.

ClinVar aggregate classification (germline): Benign/Likely benign. Review status: criteria provided, multiple submitters, no conflicts (2 of 4 stars). 2 submissions from 2 submitters: Benign (1); Likely benign (1). Last evaluated 2025-01-16.

Conditions:
Familial cancer of breast. Also called: BREAST CANCER, FAMILIAL; hereditary breast carcinoma; Hereditary breast cancer. Identifiers: Orphanet 227535, MedGen C0346153, MONDO:0016419, OMIM 114480. Disease mechanism: loss of function.

Allele frequency attached by ClinVar (database versions not stated): gnomAD exomes below 0.00001.
gnomAD v4.1: 3 of 1,614,206 alleles (0.00019%); highest among the groups gnomAD compares: Non-Finnish European, 0.000085%; no homozygotes.

Submissions (2):

Myriad Genetics, Inc.
Classification: Benign for Familial cancer of breast. Last evaluated: 2025-01-16. Review status: criteria provided, single submitter. Criteria: Myriad Autosomal Dominant, Autosomal Recessive and X-Linked Classification Criteria (2023). Collection method: clinical testing. Allele origin: unknown.
Comment: This variant is considered benign. This variant is a silent/synonymous amino acid change and it is not expected to impact splicing.

Labcorp Genetics (formerly Invitae), Labcorp
Classification: Likely benign for Familial cancer of breast. Last evaluated: 2022-07-06. Review status: criteria provided, single submitter. Criteria: Invitae Variant Classification Sherloc (09022015). Collection method: clinical testing. Allele origin: germline.